The following is an entry in ClinVar:

ClinVar aggregate classification (germline): Uncertain significance (1 of 4 stars; one submission).

Allele frequency attached by ClinVar (database versions not stated): gnomAD exomes below 0.00001.
gnomAD v4.1: 1 of 1,598,020 alleles (0.000063%); highest among the groups gnomAD compares: South Asian, 0.0011%; no homozygotes.

Submission:

Ambry Genetics
Classification: Uncertain significance. Last evaluated: 2022-06-12. Review status: criteria provided, single submitter. Criteria: Ambry Variant Classification Scheme 2023. Collection method: clinical testing. Allele origin: germline.
Comment: The p.G1796C variant (also known as c.5386G>T), located in coding exon 41 of the PRKDC gene, results from a G to T substitution at nucleotide position 5386. The glycine at codon 1796 is replaced by cysteine, an amino acid with highly dissimilar properties. This amino acid position is conserved. In addition, this alteration is predicted to be tolerated by in silico analysis. Since supporting evidence is limited at this time, the clinical significance of this alteration remains unclear.

NM_006904.7(PRKDC):c.5386G>T (p.Gly1796Cys)

Gene: PRKDC (protein kinase, DNA-activated, catalytic subunit; minus strand). Cytogenetic location: 8q11.21.
Variant type: single nucleotide variant.
Coding change: c.5386G>T on transcript NM_006904.7 (MANE Select); coding-DNA position 5386, G replaced by T.
Protein change: p.Gly1796Cys; replaces glycine 1796 with cysteine.
Molecular consequence: missense variant.
Genome position (GRCh38, 1-based): chr8:47,864,741, C>A on the plus strand (G>T on the coding strand, the complement: PRKDC is on the minus strand). VCF-style: chr8-47864741-C-A. GRCh37 (hg19) VCF-style: chr8-48777302-C-A.
Other names: c.5386G>T, p.Gly1796Cys (NM_001081640.2); short protein forms G1796C.
Identifiers: ClinVar variation 1747194 (VCV001747194.2), dbSNP rs1442460090, ClinGen allele CA371163679.